The following is an entry in ClinVar:

NM_000334.4(SCN4A):c.5492T>A (p.Val1831Asp)

Genes: GH-LCR (growth hormone locus control region; plus strand), SCN4A (sodium voltage-gated channel alpha subunit 4; minus strand). Cytogenetic location: 17q23.3.
Variant type: single nucleotide variant.
Coding change: c.5492T>A on transcript NM_000334.4 (MANE Select); coding-DNA position 5492, T replaced by A.
Protein change: p.Val1831Asp; replaces valine 1831 with aspartic acid.
Molecular consequence: missense variant.
Genome position (GRCh38, 1-based): chr17:63,940,790, A>T on the plus strand (T>A on the coding strand, the complement: SCN4A is on the minus strand). VCF-style: chr17-63940790-A-T. GRCh37 (hg19) VCF-style: chr17-62018150-A-T.
Other names: short protein forms V1831D.
Identifiers: ClinVar variation 805398 (VCV000805398.15), dbSNP rs1300925199, ClinGen allele CA400610166.

ClinVar aggregate classification (germline): Uncertain significance. Review status: criteria provided, multiple submitters, no conflicts (2 of 4 stars). 6 submissions from 6 submitters: Uncertain significance (6). Last evaluated 2025-06-24.

Conditions:
Inborn genetic diseases. Identifiers: MedGen C0950123, MeSH D030342.
Paramyotonia congenita of Von Eulenburg. Also called: PARALYSIS PERIODICA PARAMYOTONICA; Eulenburg disease; Myotonia congenita intermittens; Von Eulenburg paramyotonia congenita; Paramyotonia Congenita. Identifiers: Orphanet 684, MedGen C0221055, MONDO:0008195, OMIM 168300. Disease mechanism: loss of function.
Hypokalemic periodic paralysis, type 2 (HOKPP2). Identifiers: Orphanet 681, MedGen C2750061, MONDO:0013234, OMIM 613345.
Hyperkalemic periodic paralysis. Also called: Familial hyperkalemic periodic paralysis; Gamstorp disease. Identifiers: Orphanet 682, MedGen C0238357, MONDO:0008224, OMIM 170500, HP:0007215.
Hypokalemic periodic paralysis, type 1. Also called: Hypokalemic Periodic Paralysis Type 1 (AD); HypoPP. Identifiers: Orphanet 681, MedGen C3714580, MONDO:0042979, OMIM 170400.
Potassium-aggravated myotonia. Also called: MYOTONIA CONGENITA, ACETAZOLAMIDE-RESPONSIVE; MYOTONIA CONGENITA, ATYPICAL; SODIUM CHANNEL MUSCLE DISEASE; Myotonia congenita, atypical, acetazolamide-responsive. Identifiers: Orphanet 612, Orphanet 99734, Orphanet 99735, Orphanet 99736, MedGen C2931826, MONDO:0018959, OMIM 608390.
Congenital myasthenic syndrome 16. Identifiers: Orphanet 590, MedGen C3280112, MONDO:0013620, OMIM 614198.

Allele frequency attached by ClinVar (database versions not stated): gnomAD exomes 0.00001 and below 0.00001; TOPMed 0.00001.
gnomAD v4.1: 5 of 1,579,588 alleles (0.00032%); highest among the groups gnomAD compares: Admixed American, 0.0036%; no homozygotes.

Submissions (6):

Ambry Genetics
Classification: Uncertain significance for Inborn genetic diseases. Last evaluated: 2025-06-24. Review status: criteria provided, single submitter. Criteria: Ambry Variant Classification Scheme 2023. Collection method: clinical testing. Allele origin: germline.

GeneDx
Classification: Uncertain significance. Last evaluated: 2024-12-10. Review status: criteria provided, single submitter. Criteria: GeneDx Variant Classification Process June 2021. Collection method: clinical testing. Allele origin: germline. Affected: yes.
Comment: In silico analysis indicates that this missense variant does not alter protein structure/function; Has not been previously published as pathogenic or benign to our knowledge

Revvity Omics, Revvity
Classification: Uncertain significance. Last evaluated: 2024-11-28. Review status: criteria provided, single submitter. Criteria: ACMG Guidelines, 2015. Collection method: clinical testing. Allele origin: germline.

Labcorp Genetics (formerly Invitae), Labcorp
Classification: Uncertain significance for Hyperkalemic periodic paralysis. Last evaluated: 2024-08-31. Review status: criteria provided, single submitter. Criteria: Invitae Variant Classification Sherloc (09022015). Collection method: clinical testing. Allele origin: germline.
Comment: This sequence change replaces valine, which is neutral and non-polar, with aspartic acid, which is acidic and polar, at codon 1831 of the SCN4A protein (p.Val1831Asp). This variant is present in population databases (no rsID available, gnomAD 0.007%). This variant has not been reported in the literature in individuals affected with SCN4A-related conditions. ClinVar contains an entry for this variant (Variation ID: 805398). Invitae Evidence Modeling of protein sequence and biophysical properties (such as structural, functional, and spatial information, amino acid conservation, physicochemical variation, residue mobility, and thermodynamic stability) has been performed for this missense variant. However, the output from this modeling did not meet the statistical confidence thresholds required to predict the impact of this variant on SCN4A protein function. In summary, the available evidence is currently insufficient to determine the role of this variant in disease. Therefore, it has been classified as a Variant of Uncertain Significance.

Fulgent Genetics
Classification: Uncertain significance for Paramyotonia congenita of Von Eulenburg; Hypokalemic periodic paralysis, type 1; Hyperkalemic periodic paralysis; Potassium-aggravated myotonia; Hypokalemic periodic paralysis, type 2; Congenital myasthenic syndrome 16. Last evaluated: 2021-12-28. Review status: criteria provided, single submitter. Criteria: ACMG Guidelines, 2015. Collection method: clinical testing. Allele origin: unknown.

Athena Diagnostics
Classification: Uncertain significance. Last evaluated: 2019-05-14. Review status: criteria provided, single submitter. Criteria: Athena Diagnostics Criteria. Collection method: clinical testing. Allele origin: germline.